The following continues an entry in ClinVar:

NM_007055.4(POLR3A):c.2997G>T (p.Val999=)

Gene: POLR3A. ClinVar aggregate classification (germline): Benign. Benign (5).

Submissions 29 to 55 of 55:

Dr. Peter K. Rogan Lab, Western University
No classification provided (evidence only). Condition: Thyroid cancer, nonmedullary, 1. Review status: no classification provided. Collection method: in vitro. Allele origin: not applicable. Functional consequence: retained intron. Not counted in ClinVar's aggregate classification.

Dr. Peter K. Rogan Lab, Western University
No classification provided (evidence only). Condition: Thyroid cancer, nonmedullary, 1. Review status: no classification provided. Collection method: in vitro. Allele origin: not applicable. Functional consequence: retained intron. Not counted in ClinVar's aggregate classification.

Dr. Peter K. Rogan Lab, Western University
No classification provided (evidence only). Condition: Cervical cancer. Review status: no classification provided. Collection method: in vitro. Allele origin: not applicable. Functional consequence: skipped exon, retained intron. Not counted in ClinVar's aggregate classification.

Dr. Peter K. Rogan Lab, Western University
No classification provided (evidence only). Condition: Cervical cancer. Review status: no classification provided. Collection method: in vitro. Allele origin: not applicable. Functional consequence: retained intron. Not counted in ClinVar's aggregate classification.

Dr. Peter K. Rogan Lab, Western University
No classification provided (evidence only). Condition: Cervical cancer. Review status: no classification provided. Collection method: in vitro. Allele origin: not applicable. Functional consequence: retained intron. Not counted in ClinVar's aggregate classification.

Dr. Peter K. Rogan Lab, Western University
No classification provided (evidence only). Condition: Cervical cancer. Review status: no classification provided. Collection method: in vitro. Allele origin: not applicable. Functional consequence: retained intron. Not counted in ClinVar's aggregate classification.

Dr. Peter K. Rogan Lab, Western University
No classification provided (evidence only). Condition: Cervical cancer. Review status: no classification provided. Collection method: in vitro. Allele origin: not applicable. Functional consequence: retained intron. Not counted in ClinVar's aggregate classification.

Dr. Peter K. Rogan Lab, Western University
No classification provided (evidence only). Condition: Sarcoma. Review status: no classification provided. Collection method: in vitro. Allele origin: not applicable. Functional consequence: retained intron. Not counted in ClinVar's aggregate classification.

Dr. Peter K. Rogan Lab, Western University
No classification provided (evidence only). Condition: Sarcoma. Review status: no classification provided. Collection method: in vitro. Allele origin: not applicable. Functional consequence: retained intron. Not counted in ClinVar's aggregate classification.

Dr. Peter K. Rogan Lab, Western University
No classification provided (evidence only). Condition: Sarcoma. Review status: no classification provided. Collection method: in vitro. Allele origin: not applicable. Functional consequence: retained intron. Not counted in ClinVar's aggregate classification.

Dr. Peter K. Rogan Lab, Western University
No classification provided (evidence only). Condition: Hepatocellular carcinoma. Review status: no classification provided. Collection method: in vitro. Allele origin: not applicable. Functional consequence: retained intron. Not counted in ClinVar's aggregate classification.

Dr. Peter K. Rogan Lab, Western University
No classification provided (evidence only). Condition: Hepatocellular carcinoma. Review status: no classification provided. Collection method: in vitro. Allele origin: not applicable. Functional consequence: retained intron. Not counted in ClinVar's aggregate classification.

Dr. Peter K. Rogan Lab, Western University
No classification provided (evidence only). Condition: Nonpapillary renal cell carcinoma. Review status: no classification provided. Collection method: in vitro. Allele origin: not applicable. Functional consequence: retained intron. Not counted in ClinVar's aggregate classification.

Dr. Peter K. Rogan Lab, Western University
No classification provided (evidence only). Condition: Nonpapillary renal cell carcinoma. Review status: no classification provided. Collection method: in vitro. Allele origin: not applicable. Functional consequence: retained intron. Not counted in ClinVar's aggregate classification.

Dr. Peter K. Rogan Lab, Western University
No classification provided (evidence only). Condition: Thymoma. Review status: no classification provided. Collection method: in vitro. Allele origin: not applicable. Functional consequence: retained intron. Not counted in ClinVar's aggregate classification.

Dr. Peter K. Rogan Lab, Western University
No classification provided (evidence only). Condition: Thymoma. Review status: no classification provided. Collection method: in vitro. Allele origin: not applicable. Functional consequence: retained intron. Not counted in ClinVar's aggregate classification.

Dr. Peter K. Rogan Lab, Western University
No classification provided (evidence only). Condition: Cholangiocarcinoma. Review status: no classification provided. Collection method: in vitro. Allele origin: not applicable. Functional consequence: retained intron. Not counted in ClinVar's aggregate classification.

Dr. Peter K. Rogan Lab, Western University
No classification provided (evidence only). Condition: Ovarian serous cystadenocarcinoma. Review status: no classification provided. Collection method: in vitro. Allele origin: not applicable. Functional consequence: retained intron. Not counted in ClinVar's aggregate classification.

Dr. Peter K. Rogan Lab, Western University
No classification provided (evidence only). Condition: Gastric cancer. Review status: no classification provided. Collection method: in vitro. Allele origin: not applicable. Functional consequence: retained intron. Not counted in ClinVar's aggregate classification.

Dr. Peter K. Rogan Lab, Western University
No classification provided (evidence only). Condition: Gastric cancer. Review status: no classification provided. Collection method: in vitro. Allele origin: not applicable. Functional consequence: retained intron. Not counted in ClinVar's aggregate classification.

Dr. Peter K. Rogan Lab, Western University
No classification provided (evidence only). Condition: Gastric cancer. Review status: no classification provided. Collection method: in vitro. Allele origin: not applicable. Functional consequence: retained intron. Not counted in ClinVar's aggregate classification.

Dr. Peter K. Rogan Lab, Western University
No classification provided (evidence only). Condition: Gastric cancer. Review status: no classification provided. Collection method: in vitro. Allele origin: not applicable. Functional consequence: retained intron. Not counted in ClinVar's aggregate classification.

Dr. Peter K. Rogan Lab, Western University
No classification provided (evidence only). Condition: Adrenocortical carcinoma, hereditary. Review status: no classification provided. Collection method: in vitro. Allele origin: not applicable. Functional consequence: retained intron. Not counted in ClinVar's aggregate classification.

Dr. Peter K. Rogan Lab, Western University
No classification provided (evidence only). Condition: Malignant tumor of esophagus. Review status: no classification provided. Collection method: in vitro. Allele origin: not applicable. Functional consequence: retained intron. Not counted in ClinVar's aggregate classification.

Dr. Peter K. Rogan Lab, Western University
No classification provided (evidence only). Condition: Malignant tumor of esophagus. Review status: no classification provided. Collection method: in vitro. Allele origin: not applicable. Functional consequence: retained intron. Not counted in ClinVar's aggregate classification.

Dr. Peter K. Rogan Lab, Western University
No classification provided (evidence only). Condition: Malignant tumor of esophagus. Review status: no classification provided. Collection method: in vitro. Allele origin: not applicable. Functional consequence: retained intron. Not counted in ClinVar's aggregate classification.

Dr. Peter K. Rogan Lab, Western University
No classification provided (evidence only). Condition: Malignant tumor of esophagus. Review status: no classification provided. Collection method: in vitro. Allele origin: not applicable. Functional consequence: skipped exon, retained intron. Not counted in ClinVar's aggregate classification.